The following is an entry in ClinVar:

NM_000540.3(RYR1):c.13548G>C (p.Glu4516Asp)

Gene: RYR1 (ryanodine receptor 1; plus strand). Cytogenetic location: 19q13.2.
Variant type: single nucleotide variant.
Coding change: c.13548G>C on transcript NM_000540.3 (MANE Select); coding-DNA position 13548, G replaced by C.
Protein change: p.Glu4516Asp; replaces glutamic acid 4516 with aspartic acid.
Molecular consequence: missense variant.
Genome position (GRCh38, 1-based): chr19:38,567,806, G>C. VCF-style: chr19-38567806-G-C. GRCh37 (hg19) VCF-style: chr19-39058446-G-C.
Other names: c.13533G>C, p.Glu4511Asp (NM_001042723.2); short protein forms E4516D, E4511D.
Identifiers: ClinVar variation 377305 (VCV000377305.20), dbSNP rs1057520187, ClinGen allele CA16603331.

ClinVar aggregate classification (germline): Uncertain significance. Review status: criteria provided, multiple submitters, no conflicts (2 of 4 stars). 5 submissions from 5 submitters: Uncertain significance (5). Last evaluated 2025-06-09.

Conditions:
King Denborough syndrome (KDS). Identifiers: MedGen C1840365, MONDO:0020485, OMIM 619542.
Congenital myopathy with fiber type disproportion. Also called: Congenital fiber-type disproportion; Congenital fiber-type disproportion myopathy. Identifiers: Orphanet 2020, MedGen C0546264, MONDO:0009711. Inheritance: all.
Congenital multicore myopathy with external ophthalmoplegia (CMYO1B). Also called: MULTICORE MYOPATHY; MULTIMINICORE DISEASE WITH EXTERNAL OPHTHALMOPLEGIA; Congenital myopathy 1B, autosomal recessive; Minicore myopathy; Minicore myopathy with external ophthalmoplegia. Identifiers: Orphanet 598, Orphanet 98905, MedGen C1850674, MONDO:0009712, OMIM 255320, HP:0003789.
Central core myopathy (CMYO1A). Also called: Central core disease; Myopathy, central fibrillar; CONGENITAL MYOPATHY 1A, AUTOSOMAL DOMINANT, WITH SUSCEPTIBILITY TO MALIGNANT HYPERTHERMIA. Identifiers: Orphanet 597, MedGen C5830701, MONDO:0007294, OMIM 117000.
Malignant hyperthermia, susceptibility to, 1 (MHS1). Also called: RYR1-Related Malignant Hyperthermia Susceptibility; Malignant hyperthermia suceptibility 1; Anesthesia related hyperthermia; Malignant hyperpyrexia; Fulminating hyperpyrexia; Pharmacogenic myopathy. Identifiers: Orphanet 423, MedGen C2930980, MONDO:0007783, OMIM 145600.

Allele frequency attached by ClinVar (database versions not stated): gnomAD exomes below 0.00001; gnomAD 0.00001; TOPMed 0.00002.
gnomAD v4.1: 20 of 1,613,968 alleles (0.0012%); highest among the groups gnomAD compares: Admixed American, 0.0017%; no homozygotes.

Submissions (5):

Color Diagnostics, LLC DBA Color Health
Classification: Uncertain significance for Malignant hyperthermia, susceptibility to, 1. Last evaluated: 2025-06-09. Review status: criteria provided, single submitter. Criteria: ACMG Guidelines, 2015. Collection method: clinical testing. Allele origin: germline.
Comment: This missense variant replaces glutamic acid with aspartic acid at codon 4516 of the RYR1 protein. Computational prediction suggests that this variant may not impact protein structure and function. To our knowledge, functional studies have not been reported for this variant. This variant has not been reported in individuals affected with RYR1-related disorders in the literature. This variant has been identified in 1/249034 chromosomes in the general population by the Genome Aggregation Database (gnomAD). The available evidence is insufficient to determine the role of this variant in disease conclusively. Therefore, this variant is classified as a Variant of Uncertain Significance.

All of Us Research Program, National Institutes of Health
Classification: Uncertain significance for Malignant hyperthermia, susceptibility to, 1. Last evaluated: 2024-09-23. Review status: criteria provided, single submitter. Criteria: ACMG Guidelines, 2015. Collection method: clinical testing. Allele origin: germline. Inheritance: Autosomal dominant inheritance. Observed: 7 variant alleles, 7 heterozygotes.
Comment: This study involves interpretation of variants in research participants for the purpose of population health screening. Participant phenotype was not available at the time of variant classification. Additional details can be found in publication PMID: 35346344, PMCID: PMC8962531

Revvity Omics, Revvity
Classification: Uncertain significance. Last evaluated: 2024-03-19. Review status: criteria provided, single submitter. Criteria: ACMG Guidelines, 2015. Collection method: clinical testing. Allele origin: germline.

Fulgent Genetics
Classification: Uncertain significance for Central core myopathy; Malignant hyperthermia, susceptibility to, 1; Congenital myopathy 4A, autosomal dominant; Congenital multicore myopathy with external ophthalmoplegia; King Denborough syndrome. Last evaluated: 2022-02-03. Review status: criteria provided, single submitter. Criteria: ACMG Guidelines, 2015. Collection method: clinical testing. Allele origin: unknown.

Center for Pediatric Genomic Medicine, Children's Mercy Hospital and Clinics
Classification: Uncertain significance. Last evaluated: 2016-09-08. Review status: criteria provided, single submitter. Criteria: ACMG Guidelines, 2015. Collection method: clinical testing. Allele origin: germline.
ClinVar note: Converted during submission from Uncertain Significance to Uncertain significance.